The following is an entry in ClinVar:

NM_006397.3(RNASEH2A):c.881A>G (p.Glu294Gly)

Gene: RNASEH2A (ribonuclease H2 subunit A; plus strand). Cytogenetic location: 19p13.13.
Variant type: single nucleotide variant.
Coding change: c.881A>G on transcript NM_006397.3 (MANE Select); coding-DNA position 881, A replaced by G.
Protein change: p.Glu294Gly; replaces glutamic acid 294 with glycine.
Molecular consequence: missense variant.
Genome position (GRCh38, 1-based): chr19:12,813,447, A>G. VCF-style: chr19-12813447-A-G. GRCh37 (hg19) VCF-style: chr19-12924261-A-G.
Other names: short protein forms E294G.
Identifiers: ClinVar variation 1473376 (VCV001473376.8), dbSNP rs2145830589, ClinGen allele CA404270067.

ClinVar aggregate classification (germline): Uncertain significance (1 of 4 stars; one submission).

Conditions:
Aicardi-Goutieres syndrome 4. Identifiers: Orphanet 51, MedGen C1835912, MONDO:0012472, OMIM 610333.

Submission:

Labcorp Genetics (formerly Invitae), Labcorp
Classification: Uncertain significance for Aicardi-Goutieres syndrome 4. Last evaluated: 2021-01-12. Review status: criteria provided, single submitter. Criteria: Invitae Variant Classification Sherloc (09022015). Collection method: clinical testing. Allele origin: germline.
Comment: This variant has not been reported in the literature in individuals with RNASEH2A-related conditions. In summary, the available evidence is currently insufficient to determine the role of this variant in disease. Therefore, it has been classified as a Variant of Uncertain Significance. Algorithms developed to predict the effect of missense changes on protein structure and function are either unavailable or do not agree on the potential impact of this missense change (SIFT: "Tolerated"; PolyPhen-2: "Possibly Damaging"; Align-GVGD: "Class C0"). This variant is not present in population databases (ExAC no frequency). This sequence change replaces glutamic acid with glycine at codon 294 of the RNASEH2A protein (p.Glu294Gly). The glutamic acid residue is moderately conserved and there is a moderate physicochemical difference between glutamic acid and glycine.